The following is an entry in ClinVar:

NM_005458.8(GABBR2):c.1252C>T (p.Arg418Trp)

Gene: GABBR2 (gamma-aminobutyric acid type B receptor subunit 2; minus strand). Cytogenetic location: 9q22.33.
Variant type: single nucleotide variant.
Coding change: c.1252C>T on transcript NM_005458.8 (MANE Select); coding-DNA position 1252, C replaced by T.
Protein change: p.Arg418Trp; replaces arginine 418 with tryptophan.
Molecular consequence: missense variant.
Genome position (GRCh38, 1-based): chr9:98,406,126, G>A on the plus strand (C>T on the coding strand, the complement: GABBR2 is on the minus strand). VCF-style: chr9-98406126-G-A. GRCh37 (hg19) VCF-style: chr9-101168408-G-A.
Other names: short protein forms R418W.
Identifiers: ClinVar variation 1441823 (VCV001441823.6), dbSNP rs779267117, ClinGen allele CA5152773.
Genomic context (GRCh38, chr9:98,406,126, plus strand): 5'-CATCAAAATGCCTACCTTGAAATTGAGTAAATTTAATGGTCCCCATTCTCTCCCCATTCC[G>A]GAATACAACTTGACCCTAAAAACAAAACAAAACAAATCAAACAAGAATAAAAGAGAAATG-3'
Protein context (NP_005449.5, residues 408-428): FFGVTGQVVF[Arg418Trp]NGERMGTIKF

ClinVar aggregate classification (germline): Uncertain significance (1 of 4 stars; one submission).

Conditions:
Epileptic encephalopathy. Identifiers: MedGen C0543888, HP:0200134.

Allele frequency attached by ClinVar (database versions not stated): gnomAD exomes below 0.00001 and 0.00001; ExAC 0.00001.
gnomAD v4.1: 5 of 1,579,402 alleles (0.00032%); highest among the groups gnomAD compares: Admixed American, 0.0019%; no homozygotes.

Submission:

Labcorp Genetics (formerly Invitae), Labcorp
Classification: Uncertain significance for Epileptic encephalopathy. Last evaluated: 2024-12-19. Review status: criteria provided, single submitter. Criteria: Invitae Variant Classification Sherloc (09022015). Collection method: clinical testing. Allele origin: germline.
Comment: This sequence change replaces arginine, which is basic and polar, with tryptophan, which is neutral and slightly polar, at codon 418 of the GABBR2 protein (p.Arg418Trp). The frequency data for this variant in the population databases is considered unreliable, as metrics indicate poor data quality at this position in the gnomAD database. This variant has not been reported in the literature in individuals affected with GABBR2-related conditions. ClinVar contains an entry for this variant (Variation ID: 1441823). Invitae Evidence Modeling of protein sequence and biophysical properties (such as structural, functional, and spatial information, amino acid conservation, physicochemical variation, residue mobility, and thermodynamic stability) indicates that this missense variant is expected to disrupt GABBR2 protein function with a positive predictive value of 80%. In summary, the available evidence is currently insufficient to determine the role of this variant in disease. Therefore, it has been classified as a Variant of Uncertain Significance.